The following is an entry in ClinVar:

NM_001378454.1(ALMS1):c.1847C>T (p.Thr616Ile)

Gene: ALMS1 (ALMS1 centrosome and basal body associated protein; plus strand). Cytogenetic location: 2p13.1.
Variant type: single nucleotide variant.
Coding change: c.1847C>T on transcript NM_001378454.1 (MANE Select); coding-DNA position 1847, C replaced by T.
Protein change: p.Thr616Ile; replaces threonine 616 with isoleucine.
Molecular consequence: missense variant.
Genome position (GRCh38, 1-based): chr2:73,448,374, C>T. VCF-style: chr2-73448374-C-T. GRCh37 (hg19) VCF-style: chr2-73675501-C-T.
Other names: c.1850C>T, p.Thr617Ile (NM_015120.4); short protein forms T616I, T617I.
Identifiers: ClinVar variation 1485546 (VCV001485546.6), dbSNP rs2103772456, ClinGen allele CA347265586.

ClinVar aggregate classification (germline): Uncertain significance (1 of 4 stars; one submission).

Conditions:
Alstrom syndrome (ALMS). Identifiers: Orphanet 64, MedGen C0268425, MONDO:0008763, OMIM 203800.

Allele frequency attached by ClinVar (database versions not stated): gnomAD exomes below 0.00001.
gnomAD v4.1: 1 of 1,614,052 alleles (0.000062%); highest among the groups gnomAD compares: African/African-American, 0.0013%; no homozygotes.

Submission:

Labcorp Genetics (formerly Invitae), Labcorp
Classification: Uncertain significance for Alstrom syndrome. Last evaluated: 2022-06-27. Review status: criteria provided, single submitter. Criteria: Invitae Variant Classification Sherloc (09022015). Collection method: clinical testing. Allele origin: germline.
Comment: This sequence change replaces threonine, which is neutral and polar, with isoleucine, which is neutral and non-polar, at codon 617 of the ALMS1 protein (p.Thr617Ile). This variant is not present in population databases (gnomAD no frequency). This variant has not been reported in the literature in individuals affected with ALMS1-related conditions. Experimental studies and prediction algorithms are not available or were not evaluated, and the functional significance of this variant is currently unknown. In summary, the available evidence is currently insufficient to determine the role of this variant in disease. Therefore, it has been classified as a Variant of Uncertain Significance.